The following is an entry in ClinVar:

NM_182914.3(SYNE2):c.17403G>C (p.Met5801Ile)

Gene: SYNE2 (spectrin repeat containing nuclear envelope protein 2; plus strand). Cytogenetic location: 14q23.2.
Variant type: single nucleotide variant.
Coding change: c.17403G>C on transcript NM_182914.3 (MANE Select); coding-DNA position 17403, G replaced by C.
Protein change: p.Met5801Ile; replaces methionine 5801 with isoleucine.
Molecular consequence: missense variant.
Genome position (GRCh38, 1-based): chr14:64,175,111, G>C. VCF-style: chr14-64175111-G-C. GRCh37 (hg19) VCF-style: chr14-64641829-G-C.
Other names: c.17403G>C, p.Met5801Ile (NM_015180.6); short protein forms M5801I.
Identifiers: ClinVar variation 2908260 (VCV002908260.3), dbSNP rs2098427539, ClinGen allele CA389982389.

ClinVar aggregate classification (germline): Uncertain significance (1 of 4 stars; one submission).

Conditions:
Emery-Dreifuss muscular dystrophy 5, autosomal dominant (EDMD5). Also called: EMERY-DREIFUSS MUSCULAR DYSTROPHY 5. Identifiers: Orphanet 261, MedGen C2751805, MONDO:0013072, OMIM 612999.

gnomAD v4.1: 2 of 1,614,000 alleles (0.00012%); highest among the groups gnomAD compares: Non-Finnish European, 0.000085%; no homozygotes.

Submission:

Labcorp Genetics (formerly Invitae), Labcorp
Classification: Uncertain significance for Emery-Dreifuss muscular dystrophy 5, autosomal dominant. Last evaluated: 2023-07-07. Review status: criteria provided, single submitter. Criteria: Invitae Variant Classification Sherloc (09022015). Collection method: clinical testing. Allele origin: germline.
Comment: In summary, the available evidence is currently insufficient to determine the role of this variant in disease. Therefore, it has been classified as a Variant of Uncertain Significance. An algorithm developed to predict the effect of missense changes on protein structure and function (PolyPhen-2) suggests that this variant is likely to be tolerated. This variant has not been reported in the literature in individuals affected with SYNE2-related conditions. This variant is not present in population databases (gnomAD no frequency). This sequence change replaces methionine, which is neutral and non-polar, with isoleucine, which is neutral and non-polar, at codon 5801 of the SYNE2 protein (p.Met5801Ile).